The following is an entry in ClinVar:

ClinVar aggregate classification (germline): Uncertain significance (1 of 4 stars; one submission).

Allele frequency attached by ClinVar (database versions not stated): gnomAD exomes below 0.00001; gnomAD 0.00001.

Submission:

Centre of Medical Genetics, University Hospital Muenster
Classification: Uncertain significance. Last evaluated: 2021-12-08. Review status: criteria provided, single submitter. Criteria: ACMG Guidelines, 2015. Collection method: clinical testing. Allele origin: unknown. Affected: yes. Observed: 1 variant allele, 1 heterozygote.
Comment: ACMG categories: PM2,BP1

NM_015001.3(SPEN):c.5732T>C (p.Met1911Thr)

Gene: SPEN (spen family transcriptional repressor; plus strand). Cytogenetic location: 1p36.13.
Variant type: single nucleotide variant.
Coding change: c.5732T>C on transcript NM_015001.3 (MANE Select); coding-DNA position 5732, T replaced by C.
Protein change: p.Met1911Thr; replaces methionine 1911 with threonine.
Molecular consequence: missense variant.
Genome position (GRCh38, 1-based): chr1:15,931,972, T>C. VCF-style: chr1-15931972-T-C. GRCh37 (hg19) VCF-style: chr1-16258467-T-C.
Other names: short protein forms M1911T.
Identifiers: ClinVar variation 1708358 (VCV001708358.2), dbSNP rs1389201003, ClinGen allele CA338628453.
Genomic context (GRCh38, chr1:15,931,972, plus strand): 5'-AACCAAGTTTGCCTCTCAGCCGAACAAGGCGCCGGAATGTAAGGAGCGTCTATGCAACCA[T>C]GGGTGACCATGAAAACCGCTCTCCTGTCAAAGAGCCCGTTGAGCAACCAAGAGTGACCAG-3'
Protein context (NP_055816.2, residues 1901-1921): RRNVRSVYAT[Met1911Thr]GDHENRSPVK